The following is an entry in ClinVar:

ClinVar aggregate classification (germline): Uncertain significance. Review status: criteria provided, single submitter (1 of 4 stars). 2 submissions from 1 submitter: Uncertain significance (2). Last evaluated 2022-04-03.

Conditions:
Interstitial lung disease 2 (ILD2). Also called: Familial idiopathic pulmonary fibrosis; FIBROCYSTIC PULMONARY DYSPLASIA; FIBROSING ALVEOLITIS, CRYPTOGENIC. Identifiers: Orphanet 2032, Orphanet 79126, MedGen C5561926, MONDO:0800497, OMIM 178500, MONDO:0800029.
Dyskeratosis congenita, autosomal dominant 2. Identifiers: MedGen C3151443, MONDO:0013521, OMIM 613989.
Idiopathic Pulmonary Fibrosis. Also called: Idiopathic fibrosing alveolitis, chronic form; idiopathic fibrosing alveolitis. Identifiers: Orphanet 2032, MedGen C1800706, MeSH D054990, MONDO:0800504.

Submissions (2):

Labcorp Genetics (formerly Invitae), Labcorp
Classification: Uncertain significance for Dyskeratosis congenita, autosomal dominant 2; Idiopathic Pulmonary Fibrosis. Last evaluated: 2022-04-03. Review status: criteria provided, single submitter. Criteria: Invitae Variant Classification Sherloc (09022015). Collection method: clinical testing. Allele origin: germline.
Comment: This variant results in a copy number gain of the genomic region encompassing exon(s) 14-16 of the TERT gene. This region includes the termination codon of the gene. This copy number gain extends beyond the assayed region for this gene and therefore may encompass additional genes. As the precise location of this event is unknown, it may be in tandem or it may be located elsewhere in the genome. This variant has not been reported in the literature in individuals affected with TERT-related conditions. Experimental studies and prediction algorithms are not available or were not evaluated, and the functional significance of this variant is currently unknown. In summary, the available evidence is currently insufficient to determine the role of this variant in disease. Therefore, it has been classified as a Variant of Uncertain Significance.

Labcorp Genetics (formerly Invitae), Labcorp
Classification: Uncertain significance for Dyskeratosis congenita, autosomal dominant, 2; Idiopathic fibrosing alveolitis, chronic form. Last evaluated: 2019-10-22. Review status: criteria provided, single submitter. Criteria: Invitae Variant Classification Sherloc (09022015). Collection method: clinical testing. Allele origin: germline.
Comment: This variant results in a copy number gain of the genomic region encompassing exons 14-16 of the TERT gene. The 5' boundary is likely confined to intron 13. The 3' end of this event is unknown as it extends beyond the assayed region for this gene and therefore may encompass additional genes. As the precise location of this event is unknown, it may be in tandem or it may be located elsewhere in the genome. This variant has not been reported in the literature in individuals with TERT-related conditions. In summary, the available evidence is currently insufficient to determine the role of this variant in disease. Therefore, it has been classified as a Variant of Uncertain Significance.

NC_000005.10:g.(?_1253728)_(1255421_?)dup

Gene: TERT (telomerase reverse transcriptase; minus strand). Cytogenetic location: 5p15.33.
Variant type: Duplication.
Identifiers: ClinVar variation 833372 (VCV000833372.7).